The following is an entry in ClinVar:

ClinVar aggregate classification (germline): Uncertain significance. Review status: criteria provided, multiple submitters, no conflicts (2 of 4 stars). 2 submissions from 2 submitters: Uncertain significance (2). Last evaluated 2025-05-11.

Allele frequency attached by ClinVar (database versions not stated): ExAC 0.00002; gnomAD exomes 0.00002; gnomAD 0.00004; TOPMed 0.00005.
gnomAD v4.1: 36 of 1,613,172 alleles (0.0022%); highest among the groups gnomAD compares: Middle Eastern, 0.066%; no homozygotes.

Submissions (2):

Labcorp Genetics (formerly Invitae), Labcorp
Classification: Uncertain significance. Last evaluated: 2025-05-11. Review status: criteria provided, single submitter. Criteria: Invitae Variant Classification Sherloc (09022015). Collection method: clinical testing. Allele origin: germline.
Comment: This sequence change replaces proline, which is neutral and non-polar, with leucine, which is neutral and non-polar, at codon 603 of the LONP1 protein (p.Pro603Leu). This variant is present in population databases (rs746766577, gnomAD 0.006%). This variant has not been reported in the literature in individuals affected with LONP1-related conditions. ClinVar contains an entry for this variant (Variation ID: 2178634). Invitae Evidence Modeling of protein sequence and biophysical properties (such as structural, functional, and spatial information, amino acid conservation, physicochemical variation, residue mobility, and thermodynamic stability) has been performed for this missense variant. However, the output from this modeling did not meet the statistical confidence thresholds required to predict the impact of this variant on LONP1 protein function. In summary, the available evidence is currently insufficient to determine the role of this variant in disease. Therefore, it has been classified as a Variant of Uncertain Significance.

Blueprint Genetics
Classification: Uncertain significance. Last evaluated: 2024-06-26. Review status: criteria provided, single submitter. Criteria: ACMG Guidelines, 2015. Collection method: clinical testing. Allele origin: germline.

NM_004793.4(LONP1):c.1808C>T (p.Pro603Leu)

Gene: LONP1 (lon peptidase 1, mitochondrial; minus strand). Cytogenetic location: 19p13.3.
Variant type: single nucleotide variant.
Coding change: c.1808C>T on transcript NM_004793.4 (MANE Select); coding-DNA position 1808, C replaced by T.
Protein change: p.Pro603Leu; replaces proline 603 with leucine.
Molecular consequence: missense variant. On other transcripts: non-coding transcript variant (1).
Genome position (GRCh38, 1-based): chr19:5,696,337, G>A on the plus strand (C>T on the coding strand, the complement: LONP1 is on the minus strand). VCF-style: chr19-5696337-G-A. GRCh37 (hg19) VCF-style: chr19-5696348-G-A.
Other names: c.1616C>T, p.Pro539Leu (NM_001276479.2); c.1220C>T, p.Pro407Leu (NM_001276480.1); short protein forms P407L, P539L, P603L.
Identifiers: ClinVar variation 2178634 (VCV002178634.5), dbSNP rs746766577, ClinGen allele CA9114467.